The following is an entry in ClinVar:

NM_024915.4(GRHL2):c.1216A>G (p.Ile406Val)

Gene: GRHL2 (grainyhead like transcription factor 2; plus strand). Cytogenetic location: 8q22.3.
Variant type: single nucleotide variant.
Coding change: c.1216A>G on transcript NM_024915.4 (MANE Select); coding-DNA position 1216, A replaced by G.
Protein change: p.Ile406Val; replaces isoleucine 406 with valine.
Molecular consequence: missense variant.
Genome position (GRCh38, 1-based): chr8:101,619,656, A>G. VCF-style: chr8-101619656-A-G. GRCh37 (hg19) VCF-style: chr8-102631884-A-G.
Other names: c.1168A>G, p.Ile390Val (NM_001330593.2); short protein forms I390V, I406V.
Identifiers: ClinVar variation 3257414 (VCV003257414.17).

ClinVar aggregate classification (germline): Uncertain significance (1 of 4 stars; one submission).

Submission:

CeGaT Center for Human Genetics Tuebingen
Classification: Uncertain significance. Last evaluated: 2024-07-01. Review status: criteria provided, single submitter. Criteria: CeGaT Center For Human Genetics Tuebingen Variant Classification Criteria Version 2. Collection method: clinical testing. Allele origin: germline. Affected: yes. Observed: 1 variant allele.
Comment: GRHL2: PM2